The following is an entry in ClinVar:

NM_000240.4(MAOA):c.148G>A (p.Gly50Arg)

Gene: MAOA (monoamine oxidase A; plus strand). Cytogenetic location: Xp11.3.
Variant type: single nucleotide variant.
Coding change: c.148G>A on transcript NM_000240.4 (MANE Select); coding-DNA position 148, G replaced by A.
Protein change: p.Gly50Arg; replaces glycine 50 with arginine.
Molecular consequence: missense variant. On other transcripts: 5 prime UTR variant (1).
Genome position (GRCh38, 1-based): chrX:43,683,587, G>A. VCF-style: chrX-43683587-G-A. GRCh37 (hg19) VCF-style: chrX-43542835-G-A.
Other names: c.-252G>A (NM_001270458.2); short protein forms G50R.
Identifiers: ClinVar variation 1202452 (VCV001202452.3), dbSNP rs2147080866, ClinGen allele CA413004398.

ClinVar aggregate classification (germline): Uncertain significance (1 of 4 stars; one submission).

Submission:

GeneDx
Classification: Uncertain significance. Last evaluated: 2019-04-02. Review status: criteria provided, single submitter. Criteria: GeneDx Variant Classification Process June 2021. Collection method: clinical testing. Allele origin: germline. Affected: yes.
Comment: Has not been previously published as pathogenic or benign to our knowledge; Not observed in large population cohorts (Lek et al., 2016); In silico analysis, which includes protein predictors and evolutionary conservation, supports a deleterious effect